The following is an entry in ClinVar:

ClinVar aggregate classification (germline): Pathogenic (1 of 4 stars; one submission).

Conditions:
Hereditary cancer-predisposing syndrome. Also called: Tumor predisposition; Neoplastic Syndromes, Hereditary; Hereditary neoplastic syndrome; Hereditary Cancer Syndrome. Identifiers: Orphanet 140162, MedGen C0027672, MeSH D009386, MONDO:0015356.

Submission:

Molecular Diagnostics Laboratory, Catalan Institute of Oncology
Classification: Pathogenic for Hereditary cancer-predisposing syndrome. Last evaluated: 2025-08-12. Review status: criteria provided, single submitter. Criteria: ClinGen CRC ACMG Specifications MSH6 V1.0.0. Collection method: clinical testing. Allele origin: germline.
Comment: PVS1, PM2_Supporting, PP4 c.324T>A, located in exon 2 of the MSH6 gene, is a nonsense variant expected to result in loss of function by premature protein truncation (p.(Cys108Ter)) before codon 1341 (PVS1). It is not present in the population database gnomAD v4.1.0 (PM2_Supporting). The SpliceAI algorithm predicts no significant impact on splicing. To our knowledge, neither relevant clinical data nor well-established functional studies have been reported for this variant. It has been reported in at least one endometrial cancer patient whose tumor showed loss of MMR protein expression consistent with the variant location (internal data) (PP4). This variant has not been reported in ClinVar, LOVD or InSiGHT. Based on the currently available information, c.324T>A is classified as a pathogenic variant according to ClinGen CRC ACMG Specifications MSH6 v1.0.0.

NM_000179.3(MSH6):c.324T>A (p.Cys108Ter)

Gene: MSH6 (mutS homolog 6; plus strand). Cytogenetic location: 2p16.3.
Variant type: single nucleotide variant.
Coding change: c.324T>A on transcript NM_000179.3 (MANE Select); coding-DNA position 324, T replaced by A.
Protein change: p.Cys108Ter; replaces cysteine 108 with a stop codon.
Molecular consequence: nonsense. On other transcripts: 5 prime UTR variant (7), non-coding transcript variant (5), intron variant (6).
Genome position (GRCh38, 1-based): chr2:47,790,990, T>A. VCF-style: chr2-47790990-T-A. GRCh37 (hg19) VCF-style: chr2-48018129-T-A.
Other names: c.-413T>A (NM_001281493.2, NM_001406811.1, NM_001406829.1 and 1 more transcripts); c.-579T>A (NM_001281494.2); c.420T>A, p.Cys140Ter (NM_001406795.1, NM_001406802.1); c.324T>A, p.Cys108Ter (NM_001406796.1, NM_001406798.1, NM_001406800.1 and 6 more transcripts); c.27T>A, p.Cys9Ter (NM_001406797.1, NM_001406801.1, NM_001406805.1 and 10 more transcripts); c.246T>A, p.Cys82Ter (NM_001406804.1); c.-605T>A (NM_001406807.1); c.-671T>A (NM_001406814.1); and 6 more; short protein forms C108*, C140*, C52*, C82*, C9*.
Identifiers: ClinVar variation 4082310 (VCV004082310.1).